The following is an entry in ClinVar:

ClinVar aggregate classification (germline): Likely benign (1 of 4 stars; one submission).

Conditions:
NRP2-related disorder. Also called: NRP2-related condition.

gnomAD v4.1: 24 of 1,610,910 alleles (0.0015%); highest among the groups gnomAD compares: Non-Finnish European, 0.0017%; no homozygotes.

Submission:

PreventionGenetics, part of Exact Sciences
Classification: Likely benign for NRP2-related condition. Last evaluated: 2026-03-19. Review status: criteria provided, single submitter. Criteria: ACMG Guidelines, 2015. Collection method: clinical testing. Allele origin: germline.
Comment: This variant is classified as likely benign based on ACMG/AMP sequence variant interpretation guidelines (Richards et al. 2015 PMID: 25741868, with internal and published modifications).

NM_003872.3(NRP2):c.434-5T>C

Gene: NRP2 (neuropilin 2; plus strand). Cytogenetic location: 2q33.3.
Variant type: single nucleotide variant.
Coding change: c.434-5T>C on transcript NM_003872.3 (MANE Select); 5 bases into the intron before coding-DNA position 434, T replaced by C.
Molecular consequence: intron variant.
Genome position (GRCh38, 1-based): chr2:205,722,473, T>C. VCF-style: chr2-205722473-T-C. GRCh37 (hg19) VCF-style: chr2-206587197-T-C.
Other names: c.434-5T>C (NM_201266.2, NM_201279.2, NM_018534.4 and 2 more transcripts).
Identifiers: ClinVar variation 4987216 (VCV004987216.1).